The following is an entry in ClinVar:

NM_014874.4(MFN2):c.2195A>G (p.Lys732Arg)

Gene: MFN2 (mitofusin 2; plus strand). Cytogenetic location: 1p36.22.
Variant type: single nucleotide variant.
Coding change: c.2195A>G on transcript NM_014874.4 (MANE Select); coding-DNA position 2195, A replaced by G.
Protein change: p.Lys732Arg; replaces lysine 732 with arginine.
Molecular consequence: missense variant.
Genome position (GRCh38, 1-based): chr1:12,009,717, A>G. VCF-style: chr1-12009717-A-G. GRCh37 (hg19) VCF-style: chr1-12069774-A-G.
Other names: c.2195A>G, p.Lys732Arg (NM_001127660.2); short protein forms K732R.
Identifiers: ClinVar variation 1717604 (VCV001717604.5), dbSNP rs767383693, ClinGen allele CA599354.

ClinVar aggregate classification (germline): Uncertain significance (1 of 4 stars; one submission).

Conditions:
Charcot-Marie-Tooth disease type 2. Also called: Charcot-Marie-Tooth type 2. Identifiers: Orphanet 64746, MedGen C0270914, MONDO:0018993.

Allele frequency attached by ClinVar (database versions not stated): gnomAD 0.00001; TOPMed 0.00001; ExAC 0.00001.
gnomAD v4.1: 1 of 1,614,106 alleles (0.000062%); highest among the groups gnomAD compares: African/African-American, 0.0013%; no homozygotes.

Submission:

Labcorp Genetics (formerly Invitae), Labcorp
Classification: Uncertain significance for Charcot-Marie-Tooth disease type 2. Last evaluated: 2024-07-02. Review status: criteria provided, single submitter. Criteria: Invitae Variant Classification Sherloc (09022015). Collection method: clinical testing. Allele origin: germline.
Comment: This sequence change replaces lysine, which is basic and polar, with arginine, which is basic and polar, at codon 732 of the MFN2 protein (p.Lys732Arg). This variant is present in population databases (rs767383693, gnomAD 0.007%). This variant has not been reported in the literature in individuals affected with MFN2-related conditions. ClinVar contains an entry for this variant (Variation ID: 1717604). Advanced modeling of protein sequence and biophysical properties (such as structural, functional, and spatial information, amino acid conservation, physicochemical variation, residue mobility, and thermodynamic stability) has been performed at Invitae for this missense variant, however the output from this modeling did not meet the statistical confidence thresholds required to predict the impact of this variant on MFN2 protein function. In summary, the available evidence is currently insufficient to determine the role of this variant in disease. Therefore, it has been classified as a Variant of Uncertain Significance.